The following is an entry in ClinVar:

ClinVar aggregate classification (germline): Uncertain significance (1 of 4 stars; one submission).

Conditions:
Hypercholesterolemia, autosomal dominant, 3 (FHCL3). Also called: Familial Hypercholesterolemia, Autosomal Dominant, 3; Familial hypercholesterolemia 3; PCSK9-Related Familial Hypercholesterolemia, Autosomal Dominant. Identifiers: MedGen C1863551, MONDO:0011369, OMIM 603776.

Allele frequency attached by ClinVar (database versions not stated): gnomAD exomes below 0.00001.
gnomAD v4.1: 2 of 1,614,092 alleles (0.00012%); highest among the groups gnomAD compares: South Asian, 0.0022%; no homozygotes.

Submission:

Labcorp Genetics (formerly Invitae), Labcorp
Classification: Uncertain significance for Hypercholesterolemia, autosomal dominant, 3. Last evaluated: 2020-12-09. Review status: criteria provided, single submitter. Criteria: Invitae Variant Classification Sherloc (09022015). Collection method: clinical testing. Allele origin: germline.
Comment: This sequence change replaces serine with phenylalanine at codon 372 of the PCSK9 protein (p.Ser372Phe). The serine residue is highly conserved and there is a large physicochemical difference between serine and phenylalanine. This variant is not present in population databases (ExAC no frequency). This variant has not been reported in the literature in individuals with PCSK9-related conditions. Advanced modeling of protein sequence and biophysical properties (such as structural, functional, and spatial information, amino acid conservation, physicochemical variation, residue mobility, and thermodynamic stability) performed at Invitae indicates that this missense variant is expected to disrupt PCSK9 protein function. In summary, the available evidence is currently insufficient to determine the role of this variant in disease. Therefore, it has been classified as a Variant of Uncertain Significance.

NM_174936.4(PCSK9):c.1115C>T (p.Ser372Phe)

Gene: PCSK9 (proprotein convertase subtilisin/kexin type 9; plus strand). Cytogenetic location: 1p32.3.
Variant type: single nucleotide variant.
Coding change: c.1115C>T on transcript NM_174936.4 (MANE Select); coding-DNA position 1115, C replaced by T.
Protein change: p.Ser372Phe; replaces serine 372 with phenylalanine.
Molecular consequence: missense variant.
Genome position (GRCh38, 1-based): chr1:55,057,449, C>T. VCF-style: chr1-55057449-C-T. GRCh37 (hg19) VCF-style: chr1-55523122-C-T.
Other names: c.1238C>T, p.Ser413Phe (NM_001407240.1); c.1115C>T, p.Ser372Phe (NM_001407241.1, NM_001407244.1, NM_001407247.1); c.1118C>T, p.Ser373Phe (NM_001407242.1); c.1058C>T, p.Ser353Phe (NM_001407243.1); c.923C>T, p.Ser308Phe (NM_001407245.1); c.740C>T, p.Ser247Phe (NM_001407246.1); short protein forms S372F, S308F, S353F, S413F, S247F, S373F.
Identifiers: ClinVar variation 1428707 (VCV001428707.9), dbSNP rs2100320685, ClinGen allele CA340476720.